The following is an entry in ClinVar:

ClinVar aggregate classification (germline): Conflicting classifications of pathogenicity. Review status: criteria provided, conflicting classifications (1 of 4 stars). 2 submissions from 2 submitters: Uncertain significance (1); Likely benign (1). Last evaluated 2024-05-06.

Conditions:
Hereditary cancer-predisposing syndrome. Also called: Hereditary neoplastic syndrome; Neoplastic Syndromes, Hereditary; Hereditary Cancer Syndrome; Tumor predisposition. Identifiers: Orphanet 140162, MedGen C0027672, MeSH D009386, MONDO:0015356.
Hereditary breast ovarian cancer syndrome. Also called: BRCA1- and BRCA2-Associated Hereditary Breast and Ovarian Cancer; Hereditary breast and ovarian cancer syndrome (HBOC); Hereditary breast and/or ovarian cancer syndrome; Hereditary breast and ovarian cancer syndrome; Hereditary breast and ovarian cancer; Breast and ovarian cancer. Identifiers: Orphanet 145, MedGen C0677776, MeSH D061325, MONDO:0003582. Disease mechanism: loss of function.

gnomAD v4.1: 1 of 1,589,618 alleles (0.000063%); highest among the groups gnomAD compares: Non-Finnish European, 0.000085%; no homozygotes.

Submissions (2):

Labcorp Genetics (formerly Invitae), Labcorp
Classification: Uncertain significance for Hereditary breast ovarian cancer syndrome. Last evaluated: 2024-05-06. Review status: criteria provided, single submitter. Criteria: Invitae Variant Classification Sherloc (09022015). Collection method: clinical testing. Allele origin: germline.
Comment: This sequence change replaces alanine, which is neutral and non-polar, with valine, which is neutral and non-polar, at codon 1689 of the BRCA2 protein (p.Ala1689Val). This variant is not present in population databases (gnomAD no frequency). This variant has not been reported in the literature in individuals affected with BRCA2-related conditions. ClinVar contains an entry for this variant (Variation ID: 1721029). Advanced modeling of protein sequence and biophysical properties (such as structural, functional, and spatial information, amino acid conservation, physicochemical variation, residue mobility, and thermodynamic stability) performed at Invitae indicates that this missense variant is not expected to disrupt BRCA2 protein function with a negative predictive value of 95%. In summary, the available evidence is currently insufficient to determine the role of this variant in disease. Therefore, it has been classified as a Variant of Uncertain Significance.

University of Washington Department of Laboratory Medicine, University of Washington
Classification: Likely benign for Hereditary cancer-predisposing syndrome. Last evaluated: 2023-03-23. Review status: criteria provided, single submitter. Criteria: Dines et al. (Genet Med. 2020). Collection method: curation. Allele origin: germline.
Comment: Missense variant in a coldspot region where missense variants are very unlikely to be pathogenic (PMID:31911673).

BRCA2 exon 11 coldspot. Reclassification based on statistical prior probability.

NM_000059.4(BRCA2):c.5066C>T (p.Ala1689Val)

Gene: BRCA2 (BRCA2 DNA repair associated; plus strand). Cytogenetic location: 13q13.1.
Variant type: single nucleotide variant.
Coding change: c.5066C>T on transcript NM_000059.4 (MANE Select); coding-DNA position 5066, C replaced by T.
Protein change: p.Ala1689Val; replaces alanine 1689 with valine.
Molecular consequence: missense variant.
Genome position (GRCh38, 1-based): chr13:32,339,421, C>T. VCF-style: chr13-32339421-C-T. GRCh37 (hg19) VCF-style: chr13-32913558-C-T.
Other names: c.5066C>T, p.Ala1689Val (NM_001406719.1, NM_001406720.1); short protein forms A1689V.
Identifiers: ClinVar variation 1721029 (VCV001721029.7), dbSNP rs2548529950, ClinGen allele CA387784053.